The following is an entry in ClinVar:

NM_001042492.3(NF1):c.5812+3_5812+4del

Gene: NF1 (neurofibromin 1; plus strand). Cytogenetic location: 17q11.2.
Variant type: Deletion.
Coding change: c.5812+3_5812+4del on transcript NM_001042492.3 (MANE Select); bases 3 to 4 of the intron after coding-DNA position 5812, 2 bases deleted (AA; older notation c.5812+3_5812+4delAA).
Molecular consequence: intron variant.
Genome position (GRCh38, 1-based): chr17:31,330,501-31,330,502, AA deleted. VCF-style (leftmost placement, unchanged base first): chr17-31330500-TAA-T. GRCh37 (hg19) VCF-style: chr17-29657518-TAA-T.
Other names: c.5749+3_5749+4delAA (NM_000267.3); c.5749+3_5749+4del (NM_000267.4).
Identifiers: ClinVar variation 527469 (VCV000527469.1), dbSNP rs1555533888, ClinGen allele CA658798797.

ClinVar aggregate classification (germline): Uncertain significance (1 of 4 stars; one submission).

Conditions:
Neurofibromatosis, type 1 (NF1). Also called: VON RECKLINGHAUSEN DISEASE; NEUROFIBROMATOSIS, TYPE I, SOMATIC; Peripheral type neurofibromatosis; Neurofibromatosis, type I. Identifiers: Orphanet 636, MedGen C0027831, MONDO:0018975, OMIM 162200. Disease mechanism: loss of function.

Submission:

Labcorp Genetics (formerly Invitae), Labcorp
Classification: Uncertain significance for Neurofibromatosis, type 1. Last evaluated: 2017-12-21. Review status: criteria provided, single submitter. Criteria: Invitae Variant Classification Sherloc (09022015). Collection method: clinical testing. Allele origin: germline.
Comment: This sequence change falls in intron 38 of the NF1 gene. It does not directly change the encoded amino acid sequence of the NF1 protein, but it affects a nucleotide within the consensus splice site of the intron. This variant is not present in population databases (ExAC no frequency). This variant has not been reported in the literature in individuals with NF1-related disease. Nucleotide substitutions within the consensus splice site are a relatively common cause of aberrant splicing (PMID: 17576681, 9536098). Algorithms developed to predict the effect of sequence changes on RNA splicing suggest that this variant may disrupt the consensus splice site, but this prediction has not been confirmed by published transcriptional studies. In summary, the available evidence is currently insufficient to determine the role of this variant in disease. Therefore, it has been classified as a Variant of Uncertain Significance.